The following is an entry in ClinVar:

NM_000228.3(LAMB3):c.1823dup (p.Ser608fs)

Gene: LAMB3 (laminin subunit beta 3; minus strand). Cytogenetic location: 1q32.2.
Variant type: Duplication.
Coding change: c.1823dup on transcript NM_000228.3 (MANE Select); coding-DNA position 1823, one base duplicated (G; older notation c.1823dupG).
Protein change: p.Ser608fs; shifts the reading frame from serine 608.
Molecular consequence: frameshift variant.
Genome position (GRCh38, 1-based): chr1:209,625,801, C duplicated on the plus strand (G on the coding strand, the reverse complement: LAMB3 is on the minus strand). VCF-style (leftmost placement, unchanged base first): chr1-209625800-G-GC. GRCh37 (hg19) VCF-style: chr1-209799145-G-GC.
Other names: c.1823dup, p.Ser608fs (NM_001017402.2, NM_001127641.1); short protein forms S608fs.
Identifiers: ClinVar variation 370083 (VCV000370083.10), dbSNP rs1057516219, ClinGen allele CA16040694.

ClinVar aggregate classification (germline): Pathogenic. Review status: criteria provided, single submitter (1 of 4 stars). 2 submissions from 2 submitters: Pathogenic (1). 1 of the submissions does not count toward it. Last evaluated 2025-11-02.

Conditions:
Junctional epidermolysis bullosa gravis of Herlitz. Also called: EPIDERMOLYSIS BULLOSA JUNCTIONALIS, HERLITZ TYPE; EPIDERMOLYSIS BULLOSA, JUNCTIONAL, HERLITZ-PEARSON TYPE; Epidermolysis Bullosa Letalis; Herlitz-type junctional epidermolysis bullosa; EPIDERMOLYSIS BULLOSA, JUNCTIONAL 1B, SEVERE; JEB-HERLITZ TYPE. Identifiers: Orphanet 79404, MedGen C0079683, MONDO:0009182, OMIM 226700.

Allele frequency attached by ClinVar (database versions not stated): gnomAD exomes below 0.00001; TOPMed 0.00002; gnomAD 0.00003 and 0.00004.

Submissions (2):

Labcorp Genetics (formerly Invitae), Labcorp
Classification: Pathogenic. Last evaluated: 2025-11-02. Review status: criteria provided, single submitter. Criteria: Invitae Variant Classification Sherloc (09022015). Collection method: clinical testing. Allele origin: germline.
Comment: This sequence change creates a premature translational stop signal (p.Ser608Argfs*23) in the LAMB3 gene. It is expected to result in an absent or disrupted protein product. Loss-of-function variants in LAMB3 are known to be pathogenic (PMID: 11023379, 16473856). This variant is present in population databases (no rsID available, gnomAD 0.01%). This variant has not been reported in the literature in individuals affected with LAMB3-related conditions. ClinVar contains an entry for this variant (Variation ID: 370083). For these reasons, this variant has been classified as Pathogenic.

Counsyl
Classification: Likely pathogenic for Junctional epidermolysis bullosa gravis of Herlitz. Last evaluated: 2015-11-17. Review status: no assertion criteria provided. Collection method: clinical testing. Allele origin: unknown. Not counted in ClinVar's aggregate classification.

Literature cited by the submitters: PubMed 11023379 (cited by Labcorp Genetics (formerly Invitae), Labcorp); PubMed 16473856 (cited by Labcorp Genetics (formerly Invitae), Labcorp).